The following is an entry in ClinVar:

ClinVar aggregate classification (germline): Conflicting classifications of pathogenicity. Review status: criteria provided, conflicting classifications (1 of 4 stars). 3 submissions from 3 submitters: Uncertain significance (2); Likely benign (1). Last evaluated 2024-09-30.

Conditions:
Cardiovascular phenotype. Identifiers: MedGen CN230736.
Fabry disease. Also called: Fabry's disease; HEREDITARY DYSTOPIC LIPIDOSIS; Angiokeratoma corporis diffusum; ALPHA-GALACTOSIDASE A DEFICIENCY; ANDERSON-FABRY DISEASE; CERAMIDE TRIHEXOSIDASE DEFICIENCY. Identifiers: Orphanet 324, MedGen C0002986, MONDO:0010526, OMIM 301500, HP:0001071. Disease mechanism: Fabry disease is due to inactivating mutations in the X-linked GLA gene resulting in deficiency of the enzyme Alpha Galactosidase-A., loss of function.

Allele frequency attached by ClinVar (database versions not stated): TOPMed below 0.00001.

Submissions (3):

Ambry Genetics
Classification: Uncertain significance for Cardiovascular phenotype. Last evaluated: 2024-09-30. Review status: criteria provided, single submitter. Criteria: Ambry Variant Classification Scheme 2023. Collection method: clinical testing. Allele origin: germline.
Comment: The p.S241G variant (also known as c.721A>G), located in coding exon 5 of the GLA gene, results from an A to G substitution at nucleotide position 721. The serine at codon 241 is replaced by glycine, an amino acid with similar properties. This amino acid position is not well conserved in available vertebrate species. In addition, this alteration is predicted to be tolerated by in silico analysis. Based on the available evidence, the clinical significance of this variant remains unclear.

Color Diagnostics, LLC DBA Color Health
Classification: Uncertain significance for Fabry disease. Last evaluated: 2023-03-15. Review status: criteria provided, single submitter. Criteria: ACMG Guidelines, 2015. Collection method: clinical testing. Allele origin: germline.
Comment: This missense variant replaces serine with glycine at codon 241 of the GLA protein. Computational prediction suggests that this variant may not impact protein structure and function (internally defined REVEL score threshold <= 0.5, PMID: 27666373). To our knowledge, functional studies have not been reported for this variant. This variant has not been reported in individuals affected with GLA-related disorders in the literature. This variant has not been identified in the general population by the Genome Aggregation Database (gnomAD). The available evidence is insufficient to determine the role of this variant in disease conclusively. Therefore, this variant is classified as a Variant of Uncertain Significance.

GeneDx
Classification: Likely benign. Last evaluated: 2014-06-24. Review status: criteria provided, single submitter. Criteria: GeneDx Variant Classification (06012015). Collection method: clinical testing. Allele origin: germline. Affected: yes.
Comment: This variant is considered likely benign or benign based on one or more of the following criteria: it is a conservative change, it occurs at a poorly conserved position in the protein, it is predicted to be benign by multiple in silico algorithms, and/or has population frequency not consistent with disease.

NM_000169.3(GLA):c.721A>G (p.Ser241Gly)

Genes: GLA (galactosidase alpha; minus strand), RPL36A-HNRNPH2 (RPL36A-HNRNPH2 readthrough; plus strand). Cytogenetic location: Xq22.1.
Variant type: single nucleotide variant.
Coding change: c.721A>G on transcript NM_000169.3 (MANE Select); coding-DNA position 721, A replaced by G.
Protein change: p.Ser241Gly; replaces serine 241 with glycine.
Molecular consequence: missense variant. On other transcripts: non-coding transcript variant (3), intron variant (2).
Genome position (GRCh38, 1-based): chrX:101,398,865, T>C on the plus strand (A>G on the coding strand, the complement: GLA is on the minus strand). VCF-style: chrX-101398865-T-C. GRCh37 (hg19) VCF-style: chrX-100653853-T-C.
Other names: p.S241G:AGT>GGT; c.844A>G, p.Ser282Gly (NM_001406747.1); c.721A>G, p.Ser241Gly (NM_001406748.1); c.300+3408T>C (NM_001199973.2); c.177+7043T>C (NM_001199974.2); short protein forms S241G, S282G.
Identifiers: ClinVar variation 180829 (VCV000180829.4), dbSNP rs730880438, ClinGen allele CA022007.